The following is an entry in ClinVar:

NM_001042492.3(NF1):c.980del (p.Leu327fs)

Gene: NF1 (neurofibromin 1; plus strand). Cytogenetic location: 17q11.2.
Variant type: Deletion.
Coding change: c.980del on transcript NM_001042492.3 (MANE Select); coding-DNA position 980, one base deleted (T; older notation c.980delT).
Protein change: p.Leu327fs; shifts the reading frame from leucine 327.
Molecular consequence: frameshift variant.
Genome position (GRCh38, 1-based): chr17:31,200,513, T deleted. VCF-style (leftmost placement, unchanged base first): chr17-31200512-CT-C. GRCh37 (hg19) VCF-style: chr17-29527530-CT-C.
Other names: c.980delT, p.Leu327Argfs (NM_000267.4); c.980del, p.Leu327fs (NM_001128147.3); short protein forms L327fs.
Identifiers: ClinVar variation 1929498 (VCV001929498.5), dbSNP rs2544793916, ClinGen allele CA2580092832.

ClinVar aggregate classification (germline): Pathogenic (1 of 4 stars; one submission).

Conditions:
Neurofibromatosis, type 1 (NF1). Also called: Peripheral type neurofibromatosis; Neurofibromatosis, type I; NEUROFIBROMATOSIS, TYPE I, SOMATIC; VON RECKLINGHAUSEN DISEASE. Identifiers: Orphanet 636, MedGen C0027831, MONDO:0018975, OMIM 162200. Disease mechanism: loss of function.

Submission:

Labcorp Genetics (formerly Invitae), Labcorp
Classification: Pathogenic for Neurofibromatosis, type 1. Last evaluated: 2022-02-01. Review status: criteria provided, single submitter. Criteria: Invitae Variant Classification Sherloc (09022015). Collection method: clinical testing. Allele origin: germline.
Comment: For these reasons, this variant has been classified as Pathogenic. This premature translational stop signal has been observed in individual(s) with neurofibromatosis type 1 (PMID: 32575496). This variant is not present in population databases (gnomAD no frequency). This sequence change creates a premature translational stop signal (p.Leu327Argfs*49) in the NF1 gene. It is expected to result in an absent or disrupted protein product. Loss-of-function variants in NF1 are known to be pathogenic (PMID: 10712197, 23913538).

Literature cited by the submitters: PubMed 32575496; PubMed 10712197; PubMed 23913538.